The following is an entry in ClinVar:

ClinVar aggregate classification (germline): Likely benign. Review status: criteria provided, multiple submitters, no conflicts (2 of 4 stars). 5 submissions from 5 submitters: Likely benign (3). 2 of the submissions do not count toward it. Last evaluated 2026-03-01.

Allele frequency attached by ClinVar (database versions not stated): 1000 Genomes Project 30x 0.00062; 1000 Genomes Project 0.00080; ESP Exome Variant Server 0.00238; ExAC 0.00270; gnomAD 0.00328 and 0.00334.
gnomAD v4.1: 7,188 of 1,613,388 alleles (0.45%); highest among the groups gnomAD compares: Non-Finnish European, 0.54%; 39 homozygotes.

Submissions (5):

CeGaT Center for Human Genetics Tuebingen
Classification: Likely benign. Last evaluated: 2026-03-01. Review status: criteria provided, single submitter. Criteria: CeGaT Center For Human Genetics Tuebingen Variant Classification Criteria Version 2. Collection method: clinical testing. Allele origin: germline. Affected: yes. Observed: 8 variant alleles.
Comment: FLG: BP4, BP7, BS2

Blueprint Genetics
Classification: Likely benign. Last evaluated: 2024-11-21. Review status: criteria provided, single submitter. Criteria: ACMG Guidelines, 2015. Collection method: clinical testing. Allele origin: germline.

Breakthrough Genomics
Classification: Likely benign. Review status: criteria provided, single submitter. Criteria: ACMG Guidelines, 2015. Collection method: not provided. Allele origin: germline. Inheritance: Autosomal dominant inheritance. Affected: yes.

Clinical Genetics DNA and cytogenetics Diagnostics Lab, Erasmus MC, Erasmus Medical Center
Classification: Likely benign. Review status: no assertion criteria provided. Collection method: clinical testing. Allele origin: germline. Affected: yes. Study: VKGL Data-share Consensus. Not counted in ClinVar's aggregate classification.

Joint Genome Diagnostic Labs from Nijmegen and Maastricht, Radboudumc and MUMC+
Classification: Likely benign. Review status: no assertion criteria provided. Collection method: clinical testing. Allele origin: germline. Affected: yes. Study: VKGL Data-share Consensus. Not counted in ClinVar's aggregate classification.

NM_002016.2(FLG):c.2580G>A (p.Ser860=)

Genes: CCDST (cervical cancer associated DHX9 suppressive transcript; plus strand), FLG (filaggrin; minus strand). Cytogenetic location: 1q21.3.
Variant type: single nucleotide variant.
Coding change: c.2580G>A on transcript NM_002016.2 (MANE Select); coding-DNA position 2580, G replaced by A.
Protein change: p.Ser860=; no amino-acid change (serine 860 retained).
Molecular consequence: synonymous variant.
Genome position (GRCh38, 1-based): chr1:152,312,306, C>T on the plus strand (G>A on the coding strand, the complement: FLG is on the minus strand). VCF-style: chr1-152312306-C-T. GRCh37 (hg19) VCF-style: chr1-152284782-C-T.
Identifiers: ClinVar variation 1297715 (VCV001297715.29), dbSNP rs146300888, ClinGen allele CA1107093.